The following is an entry in ClinVar:

ClinVar aggregate classification (germline): Uncertain significance. Review status: criteria provided, multiple submitters, no conflicts (2 of 4 stars). 2 submissions from 2 submitters: Uncertain significance (2). Last evaluated 2025-06-04.

Conditions:
Inborn genetic diseases. Identifiers: MedGen C0950123, MeSH D030342.
Imerslund-Grasbeck syndrome. Also called: ENTEROCYTE COBALAMIN MALABSORPTION; ENTEROCYTE INTRINSIC FACTOR RECEPTOR, DEFECT OF; PERNICIOUS ANEMIA, JUVENILE, DUE TO SELECTIVE INTESTINAL MALABSORPTION OF VITAMIN B12, WITH PROTEINURIA; Megaloblastic anemia due to inborn errors of metabolism; Imerslund-Gräsbeck syndrome. Identifiers: Orphanet 35858, MedGen C4551825, MONDO:0009853.

Allele frequency attached by ClinVar (database versions not stated): ExAC 0.00002.
gnomAD v4.1: 12 of 1,613,812 alleles (0.00074%); highest among the groups gnomAD compares: Middle Eastern, 0.066%; no homozygotes.

Submissions (2):

Ambry Genetics
Classification: Uncertain significance for Inborn genetic diseases. Last evaluated: 2025-06-04. Review status: criteria provided, single submitter. Criteria: Ambry Variant Classification Scheme 2023. Collection method: clinical testing. Allele origin: germline.

Labcorp Genetics (formerly Invitae), Labcorp
Classification: Uncertain significance for Imerslund-Grasbeck syndrome. Last evaluated: 2022-10-13. Review status: criteria provided, single submitter. Criteria: Invitae Variant Classification Sherloc (09022015). Collection method: clinical testing. Allele origin: germline.
Comment: This sequence change replaces leucine, which is neutral and non-polar, with arginine, which is basic and polar, at codon 545 of the CUBN protein (p.Leu545Arg). This variant is present in population databases (rs765388317, gnomAD 0.004%). This variant has not been reported in the literature in individuals affected with CUBN-related conditions. Advanced modeling of protein sequence and biophysical properties (such as structural, functional, and spatial information, amino acid conservation, physicochemical variation, residue mobility, and thermodynamic stability) performed at Invitae indicates that this missense variant is expected to disrupt CUBN protein function. In summary, the available evidence is currently insufficient to determine the role of this variant in disease. Therefore, it has been classified as a Variant of Uncertain Significance.

NM_001081.4(CUBN):c.1634T>G (p.Leu545Arg)

Gene: CUBN (cubilin; minus strand). Cytogenetic location: 10p13.
Variant type: single nucleotide variant.
Coding change: c.1634T>G on transcript NM_001081.4 (MANE Select); coding-DNA position 1634, T replaced by G.
Protein change: p.Leu545Arg; replaces leucine 545 with arginine.
Molecular consequence: missense variant.
Genome position (GRCh38, 1-based): chr10:17,100,136, A>C on the plus strand (T>G on the coding strand, the complement: CUBN is on the minus strand). VCF-style: chr10-17100136-A-C. GRCh37 (hg19) VCF-style: chr10-17142135-A-C.
Other names: short protein forms L545R.
Identifiers: ClinVar variation 2147491 (VCV002147491.2), dbSNP rs765388317, ClinGen allele CA5425231.